The following is an entry in ClinVar:

NM_001378213.1(BCL9L):c.1936A>G (p.Met646Val)

Gene: BCL9L (BCL9 like; minus strand). Cytogenetic location: 11q23.3.
Variant type: single nucleotide variant.
Coding change: c.1936A>G on transcript NM_001378213.1 (MANE Select); coding-DNA position 1936, A replaced by G.
Protein change: p.Met646Val; replaces methionine 646 with valine.
Molecular consequence: missense variant.
Genome position (GRCh38, 1-based): chr11:118,901,807, T>C on the plus strand (A>G on the coding strand, the complement: BCL9L is on the minus strand). VCF-style: chr11-118901807-T-C. GRCh37 (hg19) VCF-style: chr11-118772516-T-C.
Other names: c.1825A>G, p.Met609Val (NM_001378214.1); c.1936A>G, p.Met646Val (NM_182557.4); short protein forms M646V, M609V.
Identifiers: ClinVar variation 402416 (VCV000402416.5), dbSNP rs34752197, ClinGen allele CA6309562.

ClinVar aggregate classification (germline): Benign. Review status: criteria provided, multiple submitters, no conflicts (2 of 4 stars). 2 submissions from 2 submitters: Benign (2). Last evaluated 2016-03-29.

Allele frequency attached by ClinVar (database versions not stated): ESP Exome Variant Server 0.00624; gnomAD 0.01150 and 0.01278; TOPMed 0.01240; ExAC 0.01774; 1000 Genomes Project 30x 0.03061; 1000 Genomes Project 0.03355.
gnomAD v4.1: 18,581 of 1,610,672 alleles (1.2%); highest among the groups gnomAD compares: East Asian, 9.3%; 398 homozygotes.

Submissions (2):

Laboratory for Molecular Medicine, Mass General Brigham Personalized Medicine
Classification: Benign. Last evaluated: 2016-03-29. Review status: criteria provided, single submitter. Criteria: LMM Criteria. Collection method: clinical testing. Allele origin: germline.
Comment: Variant identified in a genome or exome case(s) and assessed due to predicted null impact of the variant or pathogenic assertions in the literature or databases. Disclaimer: This variant has not undergone full assessment. The following are preliminary notes: Frequency

Breakthrough Genomics
Classification: Benign. Review status: criteria provided, single submitter. Criteria: ACMG Guidelines, 2015. Collection method: not provided. Allele origin: germline. Inheritance: Unknown mechanism. Affected: yes.